The following is an entry in ClinVar:

NM_002880.4(RAF1):c.1799C>G (p.Pro600Arg)

Gene: RAF1 (Raf-1 proto-oncogene, serine/threonine kinase; minus strand). Cytogenetic location: 3p25.2.
Variant type: single nucleotide variant.
Coding change: c.1799C>G on transcript NM_002880.4 (MANE Select); coding-DNA position 1799, C replaced by G.
Protein change: p.Pro600Arg; replaces proline 600 with arginine.
Molecular consequence: missense variant. On other transcripts: non-coding transcript variant (3).
Genome position (GRCh38, 1-based): chr3:12,584,851, G>C on the plus strand (C>G on the coding strand, the complement: RAF1 is on the minus strand). VCF-style: chr3-12584851-G-C. GRCh37 (hg19) VCF-style: chr3-12626350-G-C.
Other names: c.1859C>G, p.Pro620Arg (NM_001354689.3); c.1799C>G, p.Pro600Arg (NM_001354690.3); c.1556C>G, p.Pro519Arg (NM_001354691.3, NM_001354692.3); c.1700C>G, p.Pro567Arg (NM_001354693.3); c.1616C>G, p.Pro539Arg (NM_001354694.3); c.1457C>G, p.Pro486Arg (NM_001354695.3); short protein forms P519R, P486R, P620R, P539R, P567R, P600R.
Identifiers: ClinVar variation 2100649 (VCV002100649.4), dbSNP rs143037121, ClinGen allele CA351496402.

ClinVar aggregate classification (germline): Uncertain significance (1 of 4 stars; one submission).

Conditions:
RASopathy. Also called: rasopathies; Noonan spectrum disorder. Identifiers: Orphanet 536391, MedGen C5555857, MONDO:0021060.

Submission:

Labcorp Genetics (formerly Invitae), Labcorp
Classification: Uncertain significance for RASopathy. Last evaluated: 2022-02-20. Review status: criteria provided, single submitter. Criteria: Invitae Variant Classification Sherloc (09022015). Collection method: clinical testing. Allele origin: germline.
Comment: This sequence change replaces proline, which is neutral and non-polar, with arginine, which is basic and polar, at codon 600 of the RAF1 protein (p.Pro600Arg). This variant is not present in population databases (gnomAD no frequency). This variant has not been reported in the literature in individuals affected with RAF1-related conditions. Advanced modeling of protein sequence and biophysical properties (such as structural, functional, and spatial information, amino acid conservation, physicochemical variation, residue mobility, and thermodynamic stability) performed at Invitae indicates that this missense variant is expected to disrupt RAF1 protein function. In summary, the available evidence is currently insufficient to determine the role of this variant in disease. Therefore, it has been classified as a Variant of Uncertain Significance.